The following is an entry in ClinVar:

NM_000154.2(GALK1):c.416T>C (p.Leu139Pro)

Gene: GALK1 (galactokinase 1; minus strand). Cytogenetic location: 17q25.1.
Variant type: single nucleotide variant.
Coding change: c.416T>C on transcript NM_000154.2 (MANE Select); coding-DNA position 416, T replaced by C.
Protein change: p.Leu139Pro; replaces leucine 139 with proline.
Molecular consequence: missense variant.
Genome position (GRCh38, 1-based): chr17:75,763,379, A>G on the plus strand (T>C on the coding strand, the complement: GALK1 is on the minus strand). VCF-style: chr17-75763379-A-G. GRCh37 (hg19) VCF-style: chr17-73759460-A-G.
Other names: c.416T>C, p.Leu139Pro (NM_001381985.1); short protein forms L139P.
Identifiers: ClinVar variation 2736655 (VCV002736655.3), dbSNP rs769550271, ClinGen allele CA8770956.

ClinVar aggregate classification (germline): Pathogenic (1 of 4 stars; one submission).

Conditions:
Deficiency of galactokinase. Also called: GALACTOSEMIA II; Galactokinase deficiency with cataracts. Identifiers: Orphanet 352, Orphanet 79237, MedGen C0268155, MONDO:0009255, OMIM 230200.

Allele frequency attached by ClinVar (database versions not stated): gnomAD exomes below 0.00001; ExAC 0.00001; gnomAD 0.00001.

Submission:

Labcorp Genetics (formerly Invitae), Labcorp
Classification: Pathogenic for Deficiency of galactokinase. Last evaluated: 2024-02-17. Review status: criteria provided, single submitter. Criteria: Invitae Variant Classification Sherloc (09022015). Collection method: clinical testing. Allele origin: germline.
Comment: This sequence change replaces leucine, which is neutral and non-polar, with proline, which is neutral and non-polar, at codon 139 of the GALK1 protein (p.Leu139Pro). This variant is present in population databases (rs769550271, gnomAD 0.003%). This missense change has been observed in individual(s) with congenital cataract (PMID: 20405025). It has also been observed to segregate with disease in related individuals. Advanced modeling of protein sequence and biophysical properties (such as structural, functional, and spatial information, amino acid conservation, physicochemical variation, residue mobility, and thermodynamic stability) performed at Invitae indicates that this missense variant is expected to disrupt GALK1 protein function with a positive predictive value of 80%. For these reasons, this variant has been classified as Pathogenic.

Literature cited by the submitters: PubMed 20405025.